The following is an entry in ClinVar:

NM_001567.4(INPPL1):c.1257C>T (p.Asp419=)

Gene: INPPL1 (inositol polyphosphate phosphatase like 1; plus strand). Cytogenetic location: 11q13.4.
Variant type: single nucleotide variant.
Coding change: c.1257C>T on transcript NM_001567.4 (MANE Select); coding-DNA position 1257, C replaced by T.
Protein change: p.Asp419=; no amino-acid change (aspartic acid 419 retained).
Molecular consequence: synonymous variant.
Genome position (GRCh38, 1-based): chr11:72,230,855, C>T. VCF-style: chr11-72230855-C-T. GRCh37 (hg19) VCF-style: chr11-71941899-C-T.
Identifiers: ClinVar variation 3036603 (VCV003036603.2), dbSNP rs746784288, ClinGen allele CA6169969.

ClinVar aggregate classification (germline): Likely benign (0 of 4 stars; one submission).

Conditions:
INPPL1-related disorder. Also called: INPPL1-related condition.

Allele frequency attached by ClinVar (database versions not stated): gnomAD exomes 0.00002; gnomAD 0.00003; TOPMed 0.00003; ExAC 0.00004.
gnomAD v4.1: 30 of 1,613,884 alleles (0.0019%); highest among the groups gnomAD compares: Middle Eastern, 0.016%; no homozygotes.

Submission:

PreventionGenetics, part of Exact Sciences
Classification: Likely benign for INPPL1-related condition. Last evaluated: 2022-05-31. Review status: no assertion criteria provided. Collection method: clinical testing. Allele origin: germline.
Comment: This variant is classified as likely benign based on ACMG/AMP sequence variant interpretation guidelines (Richards et al. 2015 PMID: 25741868, with internal and published modifications).